The following is an entry in ClinVar:

ClinVar aggregate classification (germline): Conflicting classifications of pathogenicity. Review status: criteria provided, conflicting classifications (1 of 4 stars). 2 submissions from 2 submitters: Uncertain significance (1); Likely benign (1). Last evaluated 2024-03-26.

Conditions:
Charcot-Marie-Tooth disease type 2. Also called: Charcot-Marie-Tooth type 2. Identifiers: Orphanet 64746, MedGen C0270914, MONDO:0018993.

Allele frequency attached by ClinVar (database versions not stated): ExAC 0.00001; TOPMed 0.00002; gnomAD 0.00002; ESP Exome Variant Server 0.00015.
gnomAD v4.1: 3 of 1,613,996 alleles (0.00019%); highest among the groups gnomAD compares: African/African-American, 0.004%; no homozygotes.

Submissions (2):

Ambry Genetics
Classification: Likely benign. Last evaluated: 2024-03-26. Review status: criteria provided, single submitter. Criteria: Ambry Variant Classification Scheme 2023. Collection method: clinical testing. Allele origin: germline.

Labcorp Genetics (formerly Invitae), Labcorp
Classification: Uncertain significance for Charcot-Marie-Tooth disease type 2. Last evaluated: 2021-11-10. Review status: criteria provided, single submitter. Criteria: Invitae Variant Classification Sherloc (09022015). Collection method: clinical testing. Allele origin: germline.
Comment: This variant has not been reported in the literature in individuals affected with KIF1B-related conditions. This variant is present in population databases (rs146335819, gnomAD 0.007%). This sequence change replaces glutamic acid, which is acidic and polar, with aspartic acid, which is acidic and polar, at codon 770 of the KIF1B protein (p.Glu770Asp). Algorithms developed to predict the effect of missense changes on protein structure and function output the following: SIFT: "Tolerated"; PolyPhen-2: "Benign"; Align-GVGD: "Class C0". The aspartic acid amino acid residue is found in multiple mammalian species, which suggests that this missense change does not adversely affect protein function. In summary, the available evidence is currently insufficient to determine the role of this variant in disease. Therefore, it has been classified as a Variant of Uncertain Significance.

NM_001365951.3(KIF1B):c.2448G>C (p.Glu816Asp)

Gene: KIF1B (kinesin family member 1B; plus strand). Cytogenetic location: 1p36.22.
Variant type: single nucleotide variant.
Coding change: c.2448G>C on transcript NM_001365951.3 (MANE Select); coding-DNA position 2448, G replaced by C.
Protein change: p.Glu816Asp; replaces glutamic acid 816 with aspartic acid.
Molecular consequence: missense variant.
Genome position (GRCh38, 1-based): chr1:10,323,973, G>C. VCF-style: chr1-10323973-G-C. GRCh37 (hg19) VCF-style: chr1-10384031-G-C.
Other names: c.2448G>C, p.Glu816Asp (NM_001365952.1); c.2310G>C, p.Glu770Asp (NM_015074.3); short protein forms E770D, E816D.
Identifiers: ClinVar variation 1356679 (VCV001356679.8), dbSNP rs146335819, ClinGen allele CA581527.
Genomic context (GRCh38, chr1:10,323,973, plus strand): 5'-CACACTGTACTCCCCTTTGCCTCCTGAATTACTTCCCACTGAGATGGAAAAAACTCATGA[G>C]GACAGGCCTTTCCCTCGCACAGTGGTAGCAGTAGAAGTCCAGGATTTGAAGAATGGAGCA-3'
Protein context (NP_001352880.1, residues 806-826): LLPTEMEKTH[Glu816Asp]DRPFPRTVVA